The following is an entry in ClinVar:

NM_002860.4(ALDH18A1):c.2246G>A (p.Arg749Gln)

Gene: ALDH18A1 (aldehyde dehydrogenase 18 family member A1; minus strand). Cytogenetic location: 10q24.1.
Variant type: single nucleotide variant.
Coding change: c.2246G>A on transcript NM_002860.4 (MANE Select); coding-DNA position 2246, G replaced by A.
Protein change: p.Arg749Gln; replaces arginine 749 with glutamine.
Molecular consequence: missense variant.
Genome position (GRCh38, 1-based): chr10:95,606,904, C>T on the plus strand (G>A on the coding strand, the complement: ALDH18A1 is on the minus strand). VCF-style: chr10-95606904-C-T. GRCh37 (hg19) VCF-style: chr10-97366661-C-T.
Other names: c.2240G>A, p.Arg747Gln (NM_001017423.2, NM_001323415.2); c.1913G>A, p.Arg638Gln (NM_001323412.2, NM_001323416.2); c.2246G>A, p.Arg749Gln (NM_001323413.2, NM_001323414.2); c.2141G>A, p.Arg714Gln (NM_001323417.2); c.1907G>A, p.Arg636Gln (NM_001323418.2); c.1610G>A, p.Arg537Gln (NM_001323419.2); short protein forms R636Q, R747Q, R638Q, R714Q, R749Q, R537Q.
Identifiers: ClinVar variation 807367 (VCV000807367.48), dbSNP rs748925635, ClinGen allele CA5620096.

ClinVar aggregate classification (germline): Conflicting classifications of pathogenicity. Review status: criteria provided, conflicting classifications (1 of 4 stars). 5 submissions from 5 submitters: Pathogenic (3); Likely pathogenic (1); Uncertain significance (1). Last evaluated 2024-11-04.

Conditions:
ALDH18A1-related de Barsy syndrome. Also called: DE BARSY SYNDROME A; Cutis laxa, autosomal recessive IIIA. Identifiers: Orphanet 2962, Orphanet 35664, MedGen C5234852, MONDO:0009053, OMIM 219150.
Cutis laxa, autosomal dominant 3 (ADCL3). Identifiers: Orphanet 90348, MedGen C4225268, MONDO:0014706, OMIM 616603.
Autosomal dominant spastic paraplegia type 9. Identifiers: MedGen C1832669, MONDO:0015091.
de Barsy syndrome. Also called: Cutis laxa-corneal clouding-oligophrenia syndrome. Identifiers: Orphanet 2962, MedGen C0268354, MONDO:0017569.

Allele frequency attached by ClinVar (database versions not stated): gnomAD exomes 0.00001; TOPMed 0.00001; ExAC 0.00002.
gnomAD v4.1: 10 of 1,614,158 alleles (0.00062%); highest among the groups gnomAD compares: East Asian, 0.0022%; no homozygotes.

Submissions (5):

Labcorp Genetics (formerly Invitae), Labcorp
Classification: Likely pathogenic for Autosomal dominant spastic paraplegia type 9; de Barsy syndrome; Cutis laxa, autosomal dominant 3. Last evaluated: 2024-11-04. Review status: criteria provided, single submitter. Criteria: Invitae Variant Classification Sherloc (09022015). Collection method: clinical testing. Allele origin: germline.
Comment: This sequence change replaces arginine, which is basic and polar, with glutamine, which is neutral and polar, at codon 749 of the ALDH18A1 protein (p.Arg749Gln). This variant is present in population databases (rs748925635, gnomAD 0.02%). This missense change has been observed in individual(s) with autosomal recessive ALDH18A1-related conditions (PMID: 25077174). It has also been observed to segregate with disease in related individuals. ClinVar contains an entry for this variant (Variation ID: 807367). Invitae Evidence Modeling of protein sequence and biophysical properties (such as structural, functional, and spatial information, amino acid conservation, physicochemical variation, residue mobility, and thermodynamic stability) indicates that this missense variant is expected to disrupt ALDH18A1 protein function with a positive predictive value of 95%. In summary, the currently available evidence indicates that the variant is pathogenic, but additional data are needed to prove that conclusively. Therefore, this variant has been classified as Likely Pathogenic.

Blueprint Genetics
Classification: Uncertain significance. Last evaluated: 2023-10-19. Review status: criteria provided, single submitter. Criteria: ACMG Guidelines, 2015. Collection method: clinical testing. Allele origin: germline.

3billion
Classification: Pathogenic for ALDH18A1-related de Barsy syndrome. Last evaluated: 2022-09-01. Review status: criteria provided, single submitter. Criteria: ACMG Guidelines, 2015. Collection method: clinical testing. Allele origin: germline. Affected: yes. Observed: 1 heterozygote.
Comment: The variant is observed at an extremely low frequency in the gnomAD v2.1.1 dataset (total allele frequency: 0.001%). Missense changes are a common disease-causing mechanism. Functional studies provide strong evidence of the variant having a damaging effect on the gene or gene product (PMID: 25077174). In silico tool predictions suggest damaging effect of the variant on gene or gene product (REVEL: 0.97; 3Cnet: 0.71). Same nucleotide change resulting in same amino acid change has been previously reported as pathogenic/likely pathogenic with strong evidence (ClinVar ID: VCV000807367). The variant is in trans with the other variant. Therefore, this variant is classified as Pathogenic according to the recommendation of ACMG/AMP guideline.

Institute of Human Genetics Munich, TUM University Hospital
Classification: Pathogenic for ALDH18A1-related de Barsy syndrome. Last evaluated: 2018-10-10. Review status: criteria provided, single submitter. Criteria: Classification criteria August 2017. Collection method: clinical testing. Allele origin: germline. Inheritance: Autosomal recessive inheritance. Affected: yes. Observed: 1 compound heterozygote.

CeGaT Center for Human Genetics Tuebingen
Classification: Pathogenic. Last evaluated: 2017-07-01. Review status: criteria provided, single submitter. Criteria: CeGaT Center For Human Genetics Tuebingen Variant Classification Criteria Version 2. Collection method: clinical testing. Allele origin: germline. Affected: yes. Observed: 1 variant allele.

Literature cited by the submitters: PubMed 25077174 (cited by Labcorp Genetics (formerly Invitae), Labcorp and 3billion).